The following is an entry in ClinVar:

ClinVar aggregate classification (germline): Uncertain significance. Review status: criteria provided, multiple submitters, no conflicts (2 of 4 stars). 2 submissions from 2 submitters: Uncertain significance (2). Last evaluated 2025-04-09.

Conditions:
Inborn genetic diseases. Identifiers: MedGen C0950123, MeSH D030342.

Allele frequency attached by ClinVar (database versions not stated): gnomAD exomes below 0.00001; ExAC 0.00001; TOPMed 0.00001.
gnomAD v4.1: 2 of 1,609,446 alleles (0.00012%); highest among the groups gnomAD compares: Admixed American, 0.0033%; no homozygotes.

Submissions (2):

Ambry Genetics
Classification: Uncertain significance for Inborn genetic diseases. Last evaluated: 2025-04-09. Review status: criteria provided, single submitter. Criteria: Ambry Variant Classification Scheme 2023. Collection method: clinical testing. Allele origin: germline.
Comment: The p.R1267K variant (also known as c.3800G>A), located in coding exon 25 of the ANKRD26 gene, results from a G to A substitution at nucleotide position 3800. The arginine at codon 1267 is replaced by lysine, an amino acid with highly similar properties. This amino acid position is conserved. In addition, this alteration is predicted to be tolerated by in silico analysis. Based on the available evidence, the clinical significance of this variant remains unclear.

Labcorp Genetics (formerly Invitae), Labcorp
Classification: Uncertain significance. Last evaluated: 2023-09-19. Review status: criteria provided, single submitter. Criteria: Invitae Variant Classification Sherloc (09022015). Collection method: clinical testing. Allele origin: germline.
Comment: In summary, the available evidence is currently insufficient to determine the role of this variant in disease. Therefore, it has been classified as a Variant of Uncertain Significance. Algorithms developed to predict the effect of missense changes on protein structure and function output the following: SIFT: "Not Available"; PolyPhen-2: "Benign"; Align-GVGD: "Not Available". The lysine amino acid residue is found in multiple mammalian species, which suggests that this missense change does not adversely affect protein function. This variant has not been reported in the literature in individuals affected with ANKRD26-related conditions. This variant is present in population databases (rs775627395, gnomAD 0.006%). This sequence change replaces arginine, which is basic and polar, with lysine, which is basic and polar, at codon 1267 of the ANKRD26 protein (p.Arg1267Lys).

NM_014915.3(ANKRD26):c.3800G>A (p.Arg1267Lys)

Gene: ANKRD26 (ankyrin repeat domain 26; minus strand). Cytogenetic location: 10p12.1.
Variant type: single nucleotide variant.
Coding change: c.3800G>A on transcript NM_014915.3 (MANE Select); coding-DNA position 3800, G replaced by A.
Protein change: p.Arg1267Lys; replaces arginine 1267 with lysine.
Molecular consequence: missense variant.
Genome position (GRCh38, 1-based): chr10:27,033,232, C>T on the plus strand (G>A on the coding strand, the complement: ANKRD26 is on the minus strand). VCF-style: chr10-27033232-C-T. GRCh37 (hg19) VCF-style: chr10-27322161-C-T.
Other names: c.3797G>A, p.Arg1266Lys (NM_001256053.2); short protein forms R1266K, R1267K.
Identifiers: ClinVar variation 2902204 (VCV002902204.4), dbSNP rs775627395, ClinGen allele CA5447957.